The following is an entry in ClinVar:

NM_004985.5(KRAS):c.34G>T (p.Gly12Cys)

Gene: KRAS (KRas proto-oncogene, GTPase; minus strand). Cytogenetic location: 12p12.1.
Variant type: single nucleotide variant.
Coding change: c.34G>T on transcript NM_004985.5 (MANE Select); coding-DNA position 34, G replaced by T.
Protein change: p.Gly12Cys; replaces glycine 12 with cysteine.
Molecular consequence: missense variant.
Genome position (GRCh38, 1-based): chr12:25,245,351, C>A on the plus strand (G>T on the coding strand, the complement: KRAS is on the minus strand). VCF-style: chr12-25245351-C-A. GRCh37 (hg19) VCF-style: chr12-25398285-C-A.
Other names: NP_004976.2:p.Gly12Cys; c.34G>T, p.Gly12Cys (NM_001369786.1, NM_001369787.1, NM_033360.4); short protein forms G12C.
Identifiers: ClinVar variation 12578 (VCV000012578.47), dbSNP rs121913530, ClinGen allele CA122528.

ClinVar aggregate classification (germline): Likely pathogenic. Review status: criteria provided, multiple submitters, no conflicts (2 of 4 stars). 9 submissions from 9 submitters: Likely pathogenic (2). 7 of the submissions do not count toward it. Last evaluated 2026-06-03.
ClinVar aggregate classification (somatic clinical impact): Tier I - Strong. Review status: criteria provided, single submitter (1 of 4 stars). 4 submissions from 1 submitter. Last evaluated 2025-03-17.
ClinVar aggregate classification (oncogenicity): Oncogenic (1 of 4 stars; one submission).

Conditions:
Lung cancer. Also called: Lung cancer, somatic; Malignant tumor of lung. Identifiers: MedGen C0242379, MONDO:0008903, OMIM 211980.
Noonan syndrome (NS). Also called: Noonan's syndrome. Identifiers: Orphanet 648, MedGen C0028326, MeSH D009634, MONDO:0018997. Disease mechanism: gain of function.
RASopathy. Also called: Noonan spectrum disorder; rasopathies. Identifiers: Orphanet 536391, MedGen C5555857, MONDO:0021060.
Lung carcinoma. Identifiers: MedGen C0684249, MONDO:0005138.
Non-small cell lung carcinoma (NSCLC). Also called: Non-small cell lung cancer. Identifiers: MedGen C0007131, MeSH D002289, MONDO:0005233, HP:0030358. Disease mechanism: Other.
Lung adenocarcinoma. Also called: Adenocarcinoma of lung; Adenocarcinoma of lung, somatic. Identifiers: MedGen C0152013, MeSH D000077192, MONDO:0005061, HP:0030078.
Endometrial carcinoma. Also called: Endometrial carcinoma, somatic. Identifiers: MedGen C0476089, MONDO:0002447, OMIM 608089, HP:0012114.
Gallbladder cancer. Identifiers: MedGen C0153452, MONDO:0005411.
Ovarian mucinous adenocarcinoma. Identifiers: Orphanet 398961, MedGen C1335167, MONDO:0005601.
Adenocarcinoma of the large intestine. Identifiers: MedGen C1319315, MONDO:0005008, HP:0040275.
Diffuse pediatric-type high-grade glioma, H3-wildtype and IDH-wildtype. Identifiers: MedGen C5669918, MONDO:0858939.
Embryonal rhabdomyosarcoma (ERMS). Also called: Botryoid rhabdomyosarcoma (type of ERMS); Spindle cell rhabdomyosarcomas (type of ERMS). Identifiers: Orphanet 99757, MedGen C0206656, MONDO:0009993, HP:0006743.
Neoplasm. Also called: Neoplasms; Neoplasm (disease); tumor. Identifiers: MedGen C0027651, MeSH D009369, MONDO:0005070, HP:0002664.

Allele frequency attached by ClinVar (database versions not stated): ExAC 0.00002.

Submissions 1 to 9 of 14:

Center for Genomic Medicine, Rigshospitalet, Copenhagen University Hospital
Classification: Oncogenic for Neoplasm. Last evaluated: 2026-10-16. Review status: criteria provided, single submitter. Criteria: ClinGen/CGC/VICC Guidelines for Oncogenicity, 2022. Collection method: clinical testing. Allele origin: somatic. Affected: yes.

Women's Health and Genetics/Laboratory Corporation of America, LabCorp
Classification: Likely pathogenic for Noonan syndrome. Last evaluated: 2026-06-03. Review status: criteria provided, single submitter. Criteria: LabCorp Variant Classification Summary - May 2015. Collection method: clinical testing. Allele origin: germline.
Comment: Variant summary: KRAS c.34G>T (p.Gly12Cys) results in a non-conservative amino acid change in the encoded protein sequence. Algorithms developed to predict the effect of missense changes on protein structure and function all suggest that this variant is likely to be disruptive. The frequency data for this variant in gnomAD is considered unreliable, as metrics indicate poor data quality at this position. To our knowledge, no occurrence of c.34G>T in individuals affected with germline KRAS-related conditions has been reported, although it is known as an oncogenetic somatic mutation found in many lung cancer cases (OMIM, ClinVar). A different variant affecting the same codon has been classified as pathogenic by our lab (c.35G>A, p.Gly12Asp), supporting the critical relevance of codon 12 to KRAS protein function. Additionally, p.Gly12Ser has been found in association with Cardio-facio-cutaneous syndrome in the literature (HGMD). Publications report experimental evidence evaluating an impact on protein function, finding that the variant disrupts KRAS function (e.g. Floyd_2005, Hunter_2015). The following publications have been ascertained in the context of this evaluation (PMID: 16051643, 26037647). ClinVar contains an entry for this variant (Variation ID: 12578). Based on the evidence outlined above, the variant was classified as likely pathogenic.

Institute for Genomic Medicine (IGM) Clinical Laboratory, Nationwide Children's Hospital
Classification: Tier I - Strong for Ovarian mucinous adenocarcinoma. Assertion type: diagnostic. Clinical significance: supports diagnosis. Last evaluated: 2025-03-17. Review status: criteria provided, single submitter. Criteria: AMP/ASCO/CAP Guidelines, 2017. Collection method: clinical testing. Allele origin: somatic. Affected: yes.
Comment: Variant has Tier I (strong) clinical significance as a diagnostic inclusion criterion in ovarian mucinous adenocarcinoma, based on the following evidence: 1) Documented in one or more cancer databases (e.g., St. Jude Pecan, COSMIC, CIViC, OncoKB). 2) Appears in one or more well-established professional guidelines (e.g., World Health Organization [WHO]; National Comprehensive Cancer Network [NCCN]) as providing diagnostic, prognostic, or therapeutic information. 3) Information in the literature supports potential biologic effect of variant (PMID: 26037647). 4) Diagnostic for a specific tumor type/classification based on well-powered studies with expert-level consensus (Evidence Level B; PMIDs: 23965232, 31477716, 26257827, 29793804).

Institute for Genomic Medicine (IGM) Clinical Laboratory, Nationwide Children's Hospital
Classification: Tier I - Strong for Embryonal rhabdomyosarcoma. Assertion type: diagnostic. Clinical significance: supports diagnosis. Last evaluated: 2025-02-19. Review status: criteria provided, single submitter. Criteria: AMP/ASCO/CAP Guidelines, 2017. Collection method: clinical testing. Allele origin: somatic. Affected: yes.
Comment: Variant has Tier I (strong) clinical significance as a diagnostic inclusion criterion in embryonal rhabdomyosarcoma, based on the following evidence: 1) Diagnostic for a specific tumor type/classification based on well-powered studies with expert-level consensus (Evidence Level B; PMIDs: 24332036, 34755412).

Institute for Genomic Medicine (IGM) Clinical Laboratory, Nationwide Children's Hospital
Classification: Tier I - Strong for Adenocarcinoma of the large intestine. Assertion type: diagnostic. Clinical significance: supports diagnosis. Last evaluated: 2024-10-07. Review status: criteria provided, single submitter. Criteria: AMP/ASCO/CAP Guidelines, 2017. Collection method: clinical testing. Allele origin: somatic. Affected: yes.
Comment: Variant has Tier I (strong) clinical significance as a diagnostic inclusion criterion in colorectal adenocarcinoma, based on the following evidence: 1) Documented in one or more cancer databases (e.g., St. Jude Pecan, COSMIC, CIViC, OncoKB). 2) Appears in one or more well-established professional guidelines (e.g., World Health Organization [WHO]; National Comprehensive Cancer Network [NCCN]) as providing diagnostic, prognostic, or therapeutic information. 3) Information in the literature supports potential biologic effect of variant (PMIDs: 25705018, 32792368). 4) Diagnostic for a specific tumor type/classification based on well-powered studies with expert-level consensus (Evidence Level B; PMIDs: 22810696, 27325016).

Institute for Genomic Medicine (IGM) Clinical Laboratory, Nationwide Children's Hospital
Classification: Tier I - Strong for Diffuse pediatric-type high-grade glioma, H3-wildtype and IDH-wildtype. Assertion type: diagnostic. Clinical significance: supports diagnosis. Last evaluated: 2023-07-03. Review status: criteria provided, single submitter. Criteria: AMP/ASCO/CAP Guidelines, 2017. Collection method: clinical testing. Allele origin: somatic. Affected: yes.
Comment: Variant has Tier I (strong) clinical significance as a diagnostic inclusion criterion in diffuse pediatric-type high-grade glioma, H3-wildtype and IDH-wildtype, based on the following evidence: 1) Documented in one or more cancer databases (e.g., St. Jude Pecan, COSMIC, CIViC, OncoKB). 2) Appears in one or more well-established professional guidelines (e.g., World Health Organization [WHO]; National Comprehensive Cancer Network [NCCN]) as providing diagnostic, prognostic, or therapeutic information. 3) Diagnostic for a specific tumor type/classification based on well-powered studies with expert-level consensus (Evidence Level B; PMIDs: 24705251, 28966033).

Labcorp Genetics (formerly Invitae), Labcorp
Classification: Likely pathogenic for RASopathy. Last evaluated: 2023-02-23. Review status: criteria provided, single submitter. Criteria: Invitae Variant Classification Sherloc (09022015). Collection method: clinical testing. Allele origin: germline.
Comment: In summary, the currently available evidence indicates that the variant is pathogenic, but additional data are needed to prove that conclusively. Therefore, this variant has been classified as Likely Pathogenic. This variant disrupts the p.Gly12 amino acid residue in KRAS. Other variant(s) that disrupt this residue have been determined to be pathogenic (PMID: 17704260, 26242988). This suggests that this residue is clinically significant, and that variants that disrupt this residue are likely to be disease-causing. Experimental studies have shown that this missense change affects KRAS function (PMID: 16051643). Advanced modeling of protein sequence and biophysical properties (such as structural, functional, and spatial information, amino acid conservation, physicochemical variation, residue mobility, and thermodynamic stability) performed at Invitae indicates that this missense variant is expected to disrupt KRAS protein function. ClinVar contains an entry for this variant (Variation ID: 12578). This variant has not been reported in the literature in individuals affected with KRAS-related conditions. This variant is not present in population databases (gnomAD no frequency). This sequence change replaces glycine, which is neutral and non-polar, with cysteine, which is neutral and slightly polar, at codon 12 of the KRAS protein (p.Gly12Cys).

Institute of Medical Sciences, Banaras Hindu University
Classification: Pathogenic for Gallbladder cancer. Last evaluated: 2020-10-30. Review status: no assertion criteria provided. Collection method: research. Allele origin: somatic. Affected: yes. Not counted in ClinVar's aggregate classification.

Laboratory for Molecular Medicine, Mass General Brigham Personalized Medicine
Classification: Pathogenic for Non-small cell lung carcinoma. Last evaluated: 2007-12-07. Review status: no assertion criteria provided. Collection method: clinical testing. Allele origin: somatic. Observed: 198 variant alleles. Not counted in ClinVar's aggregate classification.